The following is an entry in ClinVar:

NM_002184.4(IL6ST):c.2017A>G (p.Arg673Gly)

Gene: IL6ST (interleukin 6 cytokine family signal transducer; minus strand). Cytogenetic location: 5q11.2.
Variant type: single nucleotide variant.
Coding change: c.2017A>G on transcript NM_002184.4 (MANE Select); coding-DNA position 2017, A replaced by G.
Protein change: p.Arg673Gly; replaces arginine 673 with glycine.
Molecular consequence: missense variant. On other transcripts: 3 prime UTR variant (1), non-coding transcript variant (2).
Genome position (GRCh38, 1-based): chr5:55,942,672, T>C on the plus strand (A>G on the coding strand, the complement: IL6ST is on the minus strand). VCF-style: chr5-55942672-T-C. GRCh37 (hg19) VCF-style: chr5-55238500-T-C.
Other names: c.1834A>G, p.Arg612Gly (NM_001190981.2); c.1915A>G, p.Arg639Gly (NM_001364275.2); c.1807A>G, p.Arg603Gly (NM_001364276.2); c.1150A>G, p.Arg384Gly (NM_001364277.2); c.1114A>G, p.Arg372Gly (NM_001364278.2); c.1021A>G, p.Arg341Gly (NM_001364279.2); c.*944A>G (NM_175767.3); short protein forms R384G, R603G, R341G, R372G, R612G, R639G, R673G.
Identifiers: ClinVar variation 2286675 (VCV002286675.5), dbSNP rs1483311583, ClinGen allele CA359780775.

ClinVar aggregate classification (germline): Uncertain significance. Review status: criteria provided, multiple submitters, no conflicts (2 of 4 stars). 3 submissions from 3 submitters: Uncertain significance (3). Last evaluated 2025-06-11.

Conditions:
IL6ST-related disorder. Also called: IL6ST-related condition.

Allele frequency attached by ClinVar (database versions not stated): gnomAD exomes 0.00001.
gnomAD v4.1: 19 of 1,570,198 alleles (0.0012%); highest among the groups gnomAD compares: Non-Finnish European, 0.0017%; no homozygotes.

Submissions (3):

Labcorp Genetics (formerly Invitae), Labcorp
Classification: Uncertain significance. Last evaluated: 2025-06-11. Review status: criteria provided, single submitter. Criteria: Invitae Variant Classification Sherloc (09022015). Collection method: clinical testing. Allele origin: germline.
Comment: This sequence change replaces arginine, which is basic and polar, with glycine, which is neutral and non-polar, at codon 673 of the IL6ST protein (p.Arg673Gly). This variant is present in population databases (no rsID available, gnomAD 0.0009%). This variant has not been reported in the literature in individuals affected with IL6ST-related conditions. ClinVar contains an entry for this variant (Variation ID: 2286675). An algorithm developed to predict the effect of missense changes on protein structure and function (PolyPhen-2) suggests that this variant is likely to be disruptive. In summary, the available evidence is currently insufficient to determine the role of this variant in disease. Therefore, it has been classified as a Variant of Uncertain Significance.

PreventionGenetics, part of Exact Sciences
Classification: Uncertain significance for IL6ST-related condition. Last evaluated: 2025-01-07. Review status: criteria provided, single submitter. Criteria: ACMG Guidelines, 2015. Collection method: clinical testing. Allele origin: germline.
Comment: The IL6ST c.2017A>G variant is predicted to result in the amino acid substitution p.Arg673Gly. To our knowledge, this variant has not been reported in the literature. This variant is reported in 0.0016% of alleles in individuals of European (Non-Finnish) descent in gnomAD. At this time, the clinical significance of this variant is uncertain due to the absence of conclusive functional and genetic evidence.

Ambry Genetics
Classification: Uncertain significance. Last evaluated: 2022-04-28. Review status: criteria provided, single submitter. Criteria: Ambry Variant Classification Scheme 2023. Collection method: clinical testing. Allele origin: germline.